The following is an entry in ClinVar:

ClinVar aggregate classification (germline): Pathogenic. Review status: criteria provided, multiple submitters, no conflicts (2 of 4 stars). 3 submissions from 3 submitters: Pathogenic (2). 1 of the submissions does not count toward it. Last evaluated 2022-11-01.

Conditions:
Autosomal recessive Alport syndrome (ATS2). Also called: Alport syndrome type 2; COL4A4 Alport Syndrome and Thin Basement Membrane Nephropathy; COL4A3-Related Nephropathy; ALPORT SYNDROME 2, AUTOSOMAL RECESSIVE. Identifiers: Orphanet 63, Orphanet 88919, MedGen C4746745, MONDO:0008762, OMIM 203780.
Benign familial hematuria. Also called: thin basement membrane disease. Identifiers: MedGen C0241908, MONDO:0957317.

Submissions (3):

Labcorp Genetics (formerly Invitae), Labcorp
Classification: Pathogenic. Last evaluated: 2022-11-01. Review status: criteria provided, single submitter. Criteria: Invitae Variant Classification Sherloc (09022015). Collection method: clinical testing. Allele origin: germline.
Comment: ClinVar contains an entry for this variant (Variation ID: 17405). This sequence change creates a premature translational stop signal (p.Ser1238*) in the COL4A4 gene. It is expected to result in an absent or disrupted protein product. Loss-of-function variants in COL4A4 are known to be pathogenic (PMID: 21196518, 24854265, 25307543). This variant is not present in population databases (gnomAD no frequency). This premature translational stop signal has been observed in individual(s) with Alport syndrome (PMID: 7987396). This variant is also known as a "substitution of A for C" that "replaces a serine codon with a stop codon". Algorithms developed to predict the effect of sequence changes on RNA splicing suggest that this variant may create or strengthen a splice site. For these reasons, this variant has been classified as Pathogenic.

Fulgent Genetics
Classification: Pathogenic for Hematuria, benign familial, 1; Autosomal recessive Alport syndrome. Last evaluated: 2022-03-26. Review status: criteria provided, single submitter. Criteria: ACMG Guidelines, 2015. Collection method: clinical testing. Allele origin: unknown.

OMIM
Classification: Pathogenic for ALPORT SYNDROME 2, AUTOSOMAL RECESSIVE. Last evaluated: 1997-01-01. Review status: no assertion criteria provided. Collection method: literature only. Allele origin: germline. Not counted in ClinVar's aggregate classification.

Literature cited by the submitters: PubMed 21196518 (cited by Labcorp Genetics (formerly Invitae), Labcorp); PubMed 24854265 (cited by Labcorp Genetics (formerly Invitae), Labcorp); PubMed 25307543 (cited by Labcorp Genetics (formerly Invitae), Labcorp); PubMed 7987396 (cited by Labcorp Genetics (formerly Invitae), Labcorp and OMIM); PubMed 9195222 (cited by OMIM).

NM_000092.5(COL4A4):c.3713C>A (p.Ser1238Ter)

Gene: COL4A4 (collagen type IV alpha 4 chain; minus strand). Cytogenetic location: 2q36.3.
Variant type: single nucleotide variant.
Coding change: c.3713C>A on transcript NM_000092.5 (MANE Select); coding-DNA position 3713, C replaced by A.
Protein change: p.Ser1238Ter; replaces serine 1238 with a stop codon.
Molecular consequence: nonsense.
Genome position (GRCh38, 1-based): chr2:227,032,049, G>T on the plus strand (C>A on the coding strand, the complement: COL4A4 is on the minus strand). VCF-style: chr2-227032049-G-T. GRCh37 (hg19) VCF-style: chr2-227896765-G-T.
Other names: short protein forms S1238*.
Identifiers: ClinVar variation 17405 (VCV000017405.8), dbSNP rs121912859, ClinGen allele CA257916.